The following is an entry in ClinVar:

NM_000384.3(APOB):c.12136C>G (p.Arg4046Gly)

Gene: APOB (apolipoprotein B; minus strand). Cytogenetic location: 2p24.1.
Variant type: single nucleotide variant.
Coding change: c.12136C>G on transcript NM_000384.3 (MANE Select); coding-DNA position 12136, C replaced by G.
Protein change: p.Arg4046Gly; replaces arginine 4046 with glycine.
Molecular consequence: missense variant.
Genome position (GRCh38, 1-based): chr2:21,003,286, G>C on the plus strand (C>G on the coding strand, the complement: APOB is on the minus strand). VCF-style: chr2-21003286-G-C. GRCh37 (hg19) VCF-style: chr2-21226158-G-C.
Other names: short protein forms R4046G.
Identifiers: ClinVar variation 3901401 (VCV003901401.1).

ClinVar aggregate classification (germline): Uncertain significance (1 of 4 stars; one submission).

gnomAD v4.1: 1 of 1,613,466 alleles (0.000062%); highest among the groups gnomAD compares: Admixed American, 0.0017%; no homozygotes.

Submission:

GeneDx
Classification: Uncertain significance. Last evaluated: 2024-12-08. Review status: criteria provided, single submitter. Criteria: GeneDx Variant Classification Process June 2021. Collection method: clinical testing. Allele origin: germline. Affected: yes.
Comment: Not observed at significant frequency in large population cohorts (gnomAD); In silico analysis indicates that this missense variant does not alter protein structure/function; Has not been previously published as pathogenic or benign to our knowledge